The following is an entry in ClinVar:

ClinVar aggregate classification (germline): Conflicting classifications of pathogenicity. Review status: criteria provided, conflicting classifications (1 of 4 stars). 6 submissions from 6 submitters: Uncertain significance (4); Likely benign (2). Last evaluated 2025-08-20.

Conditions:
TTN-related disorder. Also called: TTN-related disorders; TTN-related condition; TTN-related disease.
Dilated cardiomyopathy 1G (CMD1G). Identifiers: Orphanet 154, MedGen C1858763, MONDO:0011400, OMIM 604145.
Autosomal recessive limb-girdle muscular dystrophy type 2J (LGMDR10). Also called: Limb-girdle muscular dystrophy, type 2J; MUSCULAR DYSTROPHY, LIMB-GIRDLE, AUTOSOMAL RECESSIVE 10. Identifiers: Orphanet 140922, MedGen C1837342, MONDO:0012127, OMIM 608807.

Allele frequency attached by ClinVar (database versions not stated): ESP Exome Variant Server 0.00008; gnomAD exomes 0.00008 and 0.00012; gnomAD 0.00010; ExAC 0.00012; TOPMed 0.00012; 1000 Genomes Project 30x 0.00031.
gnomAD v4.1: 190 of 1,613,220 alleles (0.012%); highest among the groups gnomAD compares: Non-Finnish European, 0.016%; no homozygotes.

Submissions (7):

PreventionGenetics, part of Exact Sciences
Classification: Uncertain significance for TTN-related condition. Last evaluated: 2025-08-20. Review status: criteria provided, single submitter. Criteria: ACMG Guidelines, 2015. Collection method: clinical testing. Allele origin: germline.
Comment: The TTN c.68165A>G variant is predicted to result in the amino acid substitution p.Asn22722Ser. his variant has been reported as a variant of uncertain significance in a cohort study of individuals undergoing genetic testing for heart disease (Supplementary File 2, van Lint et al. 2019. PubMed ID: 30847666). This variant is reported in 0.019% of alleles in individuals of European (Non-Finnish) descent in gnomAD. Although we suspect that this variant may be benign, at this time, the clinical significance of this variant is uncertain due to the absence of conclusive functional and genetic evidence.

Revvity Omics, Revvity
Classification: Uncertain significance. Last evaluated: 2025-03-10. Review status: criteria provided, single submitter. Criteria: ACMG Guidelines, 2015. Collection method: clinical testing. Allele origin: germline.

Women's Health and Genetics/Laboratory Corporation of America, LabCorp
Classification: Likely benign. Last evaluated: 2024-01-09. Review status: criteria provided, single submitter. Criteria: LabCorp Variant Classification Summary - May 2015. Collection method: clinical testing. Allele origin: germline.
Comment: Variant summary: TTN c.60461A>G (p.Asn20154Ser) results in a conservative amino acid change located in the A-band region of the encoded protein sequence. Two of four in-silico tools predict a benign effect of the variant on protein function. The variant allele was found at a frequency of 8.5e-05 in 248344 control chromosomes, predominantly at a frequency of 0.00019 within the Non-Finnish European subpopulation in the gnomAD database. However, in certain ethnicities, e.g. in the Swedish, the variant is reported with an even higher frequency (i.e. 0.00046), and this frequency is higher than the estimated maximum expected for a pathogenic variant in TTN causing Dilated Cardiomyopathy (0.00039), suggesting that the variant might be benign. The variant, c.60461A>G, has been reported in the literature in individuals affected with cardiomyopathy (van Lint_2019), however no supportive evidence for causality was provided. This report does not provide unequivocal conclusions about association of the variant with Dilated Cardiomyopathy. To our knowledge, no experimental evidence demonstrating an impact on protein function has been reported. ClinVar contains an entry for this variant (Variation ID: 229499). Based on the evidence outlined above, the variant was classified as likely benign.

GeneDx
Classification: Likely benign. Last evaluated: 2018-10-31. Review status: criteria provided, single submitter. Criteria: GeneDx Variant Classification Process June 2021. Collection method: clinical testing. Allele origin: germline. Affected: yes.
Comment: This variant is associated with the following publications: (PMID: 30847666)

Labcorp Genetics (formerly Invitae), Labcorp
Classification: Uncertain significance for Dilated cardiomyopathy 1G; Autosomal recessive limb-girdle muscular dystrophy type 2J. Last evaluated: 2017-11-21. Review status: criteria provided, single submitter. Criteria: Invitae Variant Classification Sherloc (09022015). Collection method: clinical testing. Allele origin: germline.

Laboratory for Molecular Medicine, Mass General Brigham Personalized Medicine
Classification: Uncertain significance. Last evaluated: 2015-02-12. Review status: criteria provided, single submitter. Criteria: LMM Criteria. Collection method: clinical testing. Allele origin: germline. Observed: 1 variant allele.
Comment: The p.Asn20154Ser variant in TTN has not been previously reported in individuals with cardiomyopathy, but has been identified in 15/66666 European chromosomes b y the Exome Aggregation Consortium (ExAC; dbSNP rs200493270). Computational prediction tools and conservation analysis suggest t hat the p.Asn20154Ser variant may impact the protein. However, none of these too ls are predictive enough to determine pathogenicity. In summary, the clinical si gnificance of the p.Asn20154Ser variant is uncertain.

Dr. Peter K. Rogan Lab, Western University
No classification provided (evidence only). Condition: Ovarian serous cystadenocarcinoma. Review status: no classification provided. Collection method: in vitro. Allele origin: not applicable. Functional consequence: retained intron. Not counted in ClinVar's aggregate classification.

Literature cited by the submitters: PubMed 30847666 (cited by Women's Health and Genetics/Laboratory Corporation of America, LabCorp).

NM_001267550.2(TTN):c.68165A>G (p.Asn22722Ser)

Genes: TTN (titin; minus strand), TTN-AS1 (TTN antisense RNA 1; plus strand), LOC126806423 (CDK7 strongly-dependent group 2 enhancer GRCh37_chr2:179443309-179444508; plus strand). Cytogenetic location: 2q31.2.
Variant type: single nucleotide variant.
Coding change: c.68165A>G on transcript NM_001267550.2 (MANE Select); coding-DNA position 68165, A replaced by G.
Protein change: p.Asn22722Ser; replaces asparagine 22722 with serine.
Molecular consequence: missense variant.
Genome position (GRCh38, 1-based): chr2:178,578,865, T>C on the plus strand (A>G on the coding strand, the complement: TTN is on the minus strand). VCF-style: chr2-178578865-T-C. GRCh37 (hg19) VCF-style: chr2-179443592-T-C.
Other names: c.60461A>G, p.Asn20154Ser (NM_133378.4); c.63242A>G, p.Asn21081Ser (NM_001256850.1); c.40970A>G, p.Asn13657Ser (NM_003319.4); c.41345A>G, p.Asn13782Ser (NM_133432.3); c.41546A>G, p.Asn13849Ser (NM_133437.4); short protein forms N20154S, N22722S, N13657S, N21081S, N13782S, N13849S.
Identifiers: ClinVar variation 229499 (VCV000229499.29), dbSNP rs200493270, ClinGen allele CA1991176.